The following is an entry in ClinVar:

ClinVar aggregate classification (germline): Benign/Likely benign. Review status: criteria provided, multiple submitters, no conflicts (2 of 4 stars). 6 submissions from 6 submitters: Benign (2); Likely benign (3). 1 of the submissions does not count toward it. Last evaluated 2025-12-15.

Conditions:
Inborn genetic diseases. Identifiers: MedGen C0950123, MeSH D030342.
Menke-Hennekam syndrome 1 (MKHK1). Identifiers: MedGen C5193034, MONDO:0020763, OMIM 618332.
Rubinstein-Taybi syndrome due to CREBBP mutations (RSTS1). Also called: Rubinstein-Taybi syndrome 1; BROAD THUMBS AND GREAT TOES, CHARACTERISTIC FACIES, AND IMPAIRED INTELLECTUAL DEVELOPMENT; CREBBP-Related Rubinstein-Taybi Syndrome; BROAD THUMB-HALLUX SYNDROME; RUBINSTEIN-TAYBI SYNDROME 1, INCOMPLETE; RUBINSTEIN SYNDROME. Identifiers: Orphanet 353277, Orphanet 783, MedGen C4551859, MONDO:0008393, OMIM 180849.
Rubinstein-Taybi syndrome (RSTS). Identifiers: Orphanet 783, MedGen C0035934, MONDO:0019188.
CREBBP-related disorder. Also called: CREBBP-related disorders; CREBBP-related condition.

Allele frequency attached by ClinVar (database versions not stated): gnomAD 0.00005 and 0.00009; TOPMed 0.00016; 1000 Genomes Project 30x 0.00062; 1000 Genomes Project 0.00080.
gnomAD v4.1: 122 of 1,613,154 alleles (0.0076%); highest among the groups gnomAD compares: East Asian, 0.087%; no homozygotes.

Submissions (6):

Labcorp Genetics (formerly Invitae), Labcorp
Classification: Benign for Rubinstein-Taybi syndrome. Last evaluated: 2025-12-15. Review status: criteria provided, single submitter. Criteria: Invitae Variant Classification Sherloc (09022015). Collection method: clinical testing. Allele origin: germline.

Blueprint Genetics
Classification: Likely benign. Last evaluated: 2024-10-21. Review status: criteria provided, single submitter. Criteria: ACMG Guidelines, 2015. Collection method: clinical testing. Allele origin: germline.

Fulgent Genetics
Classification: Likely benign for Rubinstein-Taybi syndrome due to CREBBP mutations; Menke-Hennekam syndrome 1. Last evaluated: 2021-11-03. Review status: criteria provided, single submitter. Criteria: ACMG Guidelines, 2015. Collection method: clinical testing. Allele origin: unknown.

GeneDx
Classification: Benign. Last evaluated: 2020-08-06. Review status: criteria provided, single submitter. Criteria: GeneDx Variant Classification Process June 2021. Collection method: clinical testing. Allele origin: germline. Affected: yes.

Ambry Genetics
Classification: Likely benign for Inborn genetic diseases. Last evaluated: 2016-05-26. Review status: criteria provided, single submitter. Criteria: Ambry Variant Classification Scheme 2023. Collection method: clinical testing. Allele origin: germline.

PreventionGenetics, part of Exact Sciences
Classification: Likely benign for CREBBP-related condition. Last evaluated: 2023-09-08. Review status: no assertion criteria provided. Collection method: clinical testing. Allele origin: germline. Not counted in ClinVar's aggregate classification.
Comment: This variant is classified as likely benign based on ACMG/AMP sequence variant interpretation guidelines (Richards et al. 2015 PMID: 25741868, with internal and published modifications).

NM_004380.3(CREBBP):c.6195C>T (p.Ser2065=)

Gene: CREBBP (CREB binding lysine acetyltransferase; minus strand). Cytogenetic location: 16p13.3.
Variant type: single nucleotide variant.
Coding change: c.6195C>T on transcript NM_004380.3 (MANE Select); coding-DNA position 6195, C replaced by T.
Protein change: p.Ser2065=; no amino-acid change (serine 2065 retained).
Molecular consequence: synonymous variant.
Genome position (GRCh38, 1-based): chr16:3,728,852, G>A on the plus strand (C>T on the coding strand, the complement: CREBBP is on the minus strand). VCF-style: chr16-3728852-G-A. GRCh37 (hg19) VCF-style: chr16-3778853-G-A.
Other names: c.6081C>T, p.Ser2027= (NM_001079846.1).
Identifiers: ClinVar variation 587874 (VCV000587874.21), dbSNP rs374150949, ClinGen allele CA7869161.